The following is an entry in ClinVar:

ClinVar aggregate classification (germline): Pathogenic (1 of 4 stars; one submission).

Conditions:
Mowat-Wilson syndrome (MOWS). Also called: Classic Mowat-Wilson Syndrome. Identifiers: Orphanet 2152, MedGen C1856113, MONDO:0009341, OMIM 235730.

Submission:

Illumina Laboratory Services, Illumina
Classification: Pathogenic for Mowat-Wilson syndrome. Last evaluated: 2021-06-08. Review status: criteria provided, single submitter. Criteria: ICSLVariantClassificationCriteria RUGD 01 April 2020. Collection method: clinical testing. Allele origin: unknown.
Comment: The ZEB2 c.463G>T p.(Glu155Ter) nonsense variant is expected to result in the loss of normal protein function through either protein truncation or nonsense-mediated mRNA decay. This variant has been identified in individuals with a phenotype consistent with Mowat-Wilson syndrome (Zweier et al. 2005; Saunderset al. 2009; Wenger et al. 2014; Dastot-Le Moal et al. 2007). This variant is not observed in version 2.1.1 or version 3.1.2 of the Genome Aggregation Database. Based on the available evidence the c.463G>T p.(Glu155Ter) variant is classified as pathogenic for Mowat-Wilson syndrome.

NM_014795.4(ZEB2):c.463G>T (p.Glu155Ter)

Gene: ZEB2 (zinc finger E-box binding homeobox 2; minus strand). Cytogenetic location: 2q22.3.
Variant type: single nucleotide variant.
Coding change: c.463G>T on transcript NM_014795.4 (MANE Select); coding-DNA position 463, G replaced by T.
Protein change: p.Glu155Ter; replaces glutamic acid 155 with a stop codon.
Molecular consequence: nonsense.
Genome position (GRCh38, 1-based): chr2:144,404,965, C>A on the plus strand (G>T on the coding strand, the complement: ZEB2 is on the minus strand). VCF-style: chr2-144404965-C-A. GRCh37 (hg19) VCF-style: chr2-145162532-C-A.
Other names: c.391G>T, p.Glu131Ter (NM_001171653.2); short protein forms E131*, E155*.
Identifiers: ClinVar variation 3062046 (VCV003062046.1), dbSNP rs2549110013, ClinGen allele CA348715414.